The following is an entry in ClinVar:

ClinVar aggregate classification (germline): Uncertain significance (1 of 4 stars; one submission).

Conditions:
Intellectual developmental disorder, autosomal dominant 1. Also called: Intellectual disability, autosomal dominant 1; MBD5 Haploinsufficiency. Identifiers: Orphanet 228402, MedGen C1969562, MONDO:0007974, OMIM 156200.

Allele frequency attached by ClinVar (database versions not stated): gnomAD exomes below 0.00001.
gnomAD v4.1: 3 of 1,614,124 alleles (0.00019%); highest among the groups gnomAD compares: Non-Finnish European, 0.00025%; no homozygotes.

Submission:

Labcorp Genetics (formerly Invitae), Labcorp
Classification: Uncertain significance for Intellectual developmental disorder, autosomal dominant 1. Last evaluated: 2020-02-12. Review status: criteria provided, single submitter. Criteria: Invitae Variant Classification Sherloc (09022015). Collection method: clinical testing. Allele origin: germline.
Comment: In summary, the available evidence is currently insufficient to determine the role of this variant in disease. Therefore, it has been classified as a Variant of Uncertain Significance. This sequence change replaces asparagine with threonine at codon 1253 of the MBD5 protein (p.Asn1253Thr). The asparagine residue is highly conserved and there is a small physicochemical difference between asparagine and threonine. This variant is not present in population databases (ExAC no frequency). This variant has not been reported in the literature in individuals with MBD5-related conditions.

NM_001378120.1(MBD5):c.4457A>C (p.Asn1486Thr)

Gene: MBD5 (methyl-CpG binding domain protein 5; plus strand). Cytogenetic location: 2q23.1.
Variant type: single nucleotide variant.
Coding change: c.4457A>C on transcript NM_001378120.1 (MANE Select); coding-DNA position 4457, A replaced by C.
Protein change: p.Asn1486Thr; replaces asparagine 1486 with threonine.
Molecular consequence: missense variant.
Genome position (GRCh38, 1-based): chr2:148,490,089, A>C. VCF-style: chr2-148490089-A-C. GRCh37 (hg19) VCF-style: chr2-149247658-A-C.
Other names: c.3758A>C, p.Asn1253Thr (NM_018328.5); short protein forms N1253T, N1486T.
Identifiers: ClinVar variation 1009412 (VCV001009412.10), dbSNP rs1681475025, ClinGen allele CA348729293.